The following is an entry in ClinVar:

ClinVar aggregate classification (germline): Pathogenic (1 of 4 stars; one submission).

Conditions:
Familial thoracic aortic aneurysm and aortic dissection (TAAD). Also called: Thoracic aortic aneurysms and dissections. Identifiers: Orphanet 91387, MedGen C4707243, MONDO:0019625.
Marfan syndrome (MFS). Also called: Marfan syndrome type 1; Marfan's syndrome; Marfan syndrome, classic; MARFAN SYNDROME, TYPE I; FBN1-Related Marfan Syndrome. Identifiers: Orphanet 284963, Orphanet 558, MedGen C0024796, MONDO:0007947, OMIM 154700.

Submission:

Labcorp Genetics (formerly Invitae), Labcorp
Classification: Pathogenic for Marfan syndrome; Familial thoracic aortic aneurysm and aortic dissection. Last evaluated: 2022-07-19. Review status: criteria provided, single submitter. Criteria: Invitae Variant Classification Sherloc (09022015). Collection method: clinical testing. Allele origin: germline.
Comment: This variant results in the deletion of part of exon 54 (c.6496+1108_6533del) of the FBN1 gene. It is expected to disrupt RNA splicing. Variants that disrupt the donor or acceptor splice site typically lead to a loss of protein function (PMID: 16199547), and loss-of-function variants in FBN1 are known to be pathogenic (PMID: 17657824, 19293843). This variant has not been reported in the literature in individuals affected with FBN1-related conditions. This variant affects a cysteine residue in the EGF-like, TGFBP or hybrid motif domains of FBN1. Cysteine residues are believed to be involved in intramolecular disulfide bridges and have been shown to be important for FBN1 protein structure (PMID: 16905551, 19349279). In addition, missense substitutions affecting cysteine residues within these domains are significantly overrepresented among patients with Marfan syndrome (PMID: 16571647, 17701892). For these reasons, this variant has been classified as Pathogenic.

Literature cited by the submitters: PubMed 16199547; PubMed 17657824; PubMed 19293843; PubMed 16905551; PubMed 19349279; PubMed 16571647; PubMed 17701892.

NC_000015.9:g.(?_48726874)_(48728050_?)del

Gene: FBN1 (fibrillin 1; minus strand). Cytogenetic location: 15q21.1.
Variant type: Deletion.
Identifiers: ClinVar variation 1071851 (VCV001071851.8).